The following is an entry in ClinVar:

NM_000059.4(BRCA2):c.2094del (p.Gln699fs)

Gene: BRCA2 (BRCA2 DNA repair associated; plus strand). Cytogenetic location: 13q13.1.
Variant type: Deletion.
Coding change: c.2094del on transcript NM_000059.4 (MANE Select); coding-DNA position 2094, one base deleted (A; older notation c.2094delA).
Protein change: p.Gln699fs; shifts the reading frame from glutamine 699.
Molecular consequence: frameshift variant.
Genome position (GRCh38, 1-based): chr13:32,336,449, A deleted. VCF-style (leftmost placement, unchanged base first): chr13-32336448-TA-T. GRCh37 (hg19) VCF-style: chr13-32910585-TA-T.
Other names: 2322delA; c.2094delA (NM_000059.3).
Identifiers: ClinVar variation 51242 (VCV000051242.10), dbSNP rs80359323, ClinGen allele CA014327.

ClinVar aggregate classification (germline): Pathogenic. Review status: reviewed by expert panel (3 of 4 stars). 4 submissions from 4 submitters: Pathogenic (1). 3 of the submissions do not count toward it. Last evaluated 2016-09-08.

Conditions:
Breast-ovarian cancer, familial, susceptibility to, 2 (BROVCA2). Also called: BRCA2 Hereditary Breast and Ovarian Cancer. Identifiers: Orphanet 145, MedGen C2675520, MONDO:0012933, OMIM 612555. Disease mechanism: loss of function.
Hereditary cancer-predisposing syndrome. Also called: Neoplastic Syndromes, Hereditary; Tumor predisposition; Hereditary Cancer Syndrome; Hereditary neoplastic syndrome. Identifiers: Orphanet 140162, MedGen C0027672, MeSH D009386, MONDO:0015356.

Submissions (4):

Evidence-based Network for the Interpretation of Germline Mutant Alleles (ENIGMA)
Classification: Pathogenic for Breast-ovarian cancer, familial, susceptibility to, 2. Last evaluated: 2016-09-08. Review status: reviewed by expert panel. Criteria: ENIGMA BRCA1/2 Classification Criteria (2015). Collection method: curation. Allele origin: germline.
Comment: Variant allele predicted to encode a truncated non-functional protein.

Color Diagnostics, LLC DBA Color Health
Classification: Pathogenic for Hereditary cancer-predisposing syndrome. Last evaluated: 2021-09-16. Review status: criteria provided, single submitter. Criteria: ACMG Guidelines, 2015. Collection method: clinical testing. Allele origin: germline. Not counted in ClinVar's aggregate classification.
Comment: This variant deletes 1 nucleotide in exon 11 of the BRCA2 gene, creating a frameshift and premature translation stop signal. This variant is expected to result in an absent or non-functional protein product. This variant has been detected in at least one individual affected with prostate cancer (PMID: 27433846, 28873162) and another individual affected with breast or ovarian cancer (PMID: 32438681). This variant has not been identified in the general population by the Genome Aggregation Database (gnomAD). Loss of BRCA2 function is a known mechanism of disease. Based on the available evidence, this variant is classified as Pathogenic.

Consortium of Investigators of Modifiers of BRCA1/2 (CIMBA), c/o University of Cambridge
Classification: Pathogenic for Breast-ovarian cancer, familial, susceptibility to, 2. Last evaluated: 2015-10-02. Review status: criteria provided, single submitter. Criteria: CIMBA Mutation Classification guidelines May 2016. Collection method: clinical testing. Allele origin: germline. Not counted in ClinVar's aggregate classification.

Breast Cancer Information Core (BIC) (BRCA2)
Classification: Pathogenic for Breast-ovarian cancer, familial 2. Last evaluated: 2004-03-30. Review status: no assertion criteria provided. Collection method: clinical testing. Allele origin: germline. Affected: yes. Observed: 2 variant alleles. Not counted in ClinVar's aggregate classification.

Literature cited by the submitters: PubMed 27433846 (cited by Color Diagnostics, LLC DBA Color Health); PubMed 28873162 (cited by Color Diagnostics, LLC DBA Color Health); PubMed 32438681 (cited by Color Diagnostics, LLC DBA Color Health).